The following is an entry in ClinVar:

NM_000540.3(RYR1):c.11639C>A (p.Thr3880Lys)

Gene: RYR1 (ryanodine receptor 1; plus strand). Cytogenetic location: 19q13.2.
Variant type: single nucleotide variant.
Coding change: c.11639C>A on transcript NM_000540.3 (MANE Select); coding-DNA position 11639, C replaced by A.
Protein change: p.Thr3880Lys; replaces threonine 3880 with lysine.
Molecular consequence: missense variant.
Genome position (GRCh38, 1-based): chr19:38,537,910, C>A. VCF-style: chr19-38537910-C-A. GRCh37 (hg19) VCF-style: chr19-39028550-C-A.
Other names: c.11624C>A, p.Thr3875Lys (NM_001042723.2); short protein forms T3875K, T3880K.
Identifiers: ClinVar variation 3636244 (VCV003636244.2).

ClinVar aggregate classification (germline): Uncertain significance (1 of 4 stars; one submission).

Conditions:
RYR1-related disorder. Also called: RYR1-related condition; RYR1-related disorders. Identifiers: MedGen CN239331.

Submission:

Labcorp Genetics (formerly Invitae), Labcorp
Classification: Uncertain significance for RYR1-related disorder. Last evaluated: 2024-02-16. Review status: criteria provided, single submitter. Criteria: Invitae Variant Classification Sherloc (09022015). Collection method: clinical testing. Allele origin: germline.
Comment: This sequence change replaces threonine, which is neutral and polar, with lysine, which is basic and polar, at codon 3880 of the RYR1 protein (p.Thr3880Lys). This variant is not present in population databases (gnomAD no frequency). This variant has not been reported in the literature in individuals affected with RYR1-related conditions. Advanced modeling of protein sequence and biophysical properties (such as structural, functional, and spatial information, amino acid conservation, physicochemical variation, residue mobility, and thermodynamic stability) performed at Invitae indicates that this missense variant is expected to disrupt RYR1 protein function with a positive predictive value of 95%. In summary, the available evidence is currently insufficient to determine the role of this variant in disease. Therefore, it has been classified as a Variant of Uncertain Significance.